The following is an entry in ClinVar:

ClinVar aggregate classification (germline): Uncertain significance. Review status: criteria provided, multiple submitters, no conflicts (2 of 4 stars). 2 submissions from 2 submitters: Uncertain significance (2). Last evaluated 2023-02-16.

Conditions:
Inborn genetic diseases. Identifiers: MedGen C0950123, MeSH D030342.

Allele frequency attached by ClinVar (database versions not stated): TOPMed below 0.00001; gnomAD 0.00001.

Submissions (2):

Ambry Genetics
Classification: Uncertain significance for Inborn genetic diseases. Last evaluated: 2023-02-16. Review status: criteria provided, single submitter. Criteria: Ambry Variant Classification Scheme 2023. Collection method: clinical testing. Allele origin: germline.

Labcorp Genetics (formerly Invitae), Labcorp
Classification: Uncertain significance. Last evaluated: 2022-08-16. Review status: criteria provided, single submitter. Criteria: Invitae Variant Classification Sherloc (09022015). Collection method: clinical testing. Allele origin: germline.
Comment: In summary, the available evidence is currently insufficient to determine the role of this variant in disease. Therefore, it has been classified as a Variant of Uncertain Significance. Algorithms developed to predict the effect of missense changes on protein structure and function (SIFT, PolyPhen-2, Align-GVGD) all suggest that this variant is likely to be disruptive. This variant has not been reported in the literature in individuals affected with P3H2-related conditions. This variant is not present in population databases (gnomAD no frequency). This sequence change replaces glycine, which is neutral and non-polar, with glutamic acid, which is acidic and polar, at codon 492 of the P3H2 protein (p.Gly492Glu).

NM_018192.4(P3H2):c.1475G>A (p.Gly492Glu)

Gene: P3H2 (prolyl 3-hydroxylase 2; minus strand). Cytogenetic location: 3q28.
Variant type: single nucleotide variant.
Coding change: c.1475G>A on transcript NM_018192.4 (MANE Select); coding-DNA position 1475, G replaced by A.
Protein change: p.Gly492Glu; replaces glycine 492 with glutamic acid.
Molecular consequence: missense variant.
Genome position (GRCh38, 1-based): chr3:189,973,982, C>T on the plus strand (G>A on the coding strand, the complement: P3H2 is on the minus strand). VCF-style: chr3-189973982-C-T. GRCh37 (hg19) VCF-style: chr3-189691771-C-T.
Other names: c.1475G>A (NM_018192.3); c.932G>A, p.Gly311Glu (NM_001134418.2); short protein forms G492E, G311E.
Identifiers: ClinVar variation 2044376 (VCV002044376.6), dbSNP rs1723267490, ClinGen allele CA355753903.
Genomic context (GRCh38, chr3:189,973,982, plus strand): 5'-AGGACAGTTGCACCTTCAAACTTTTCATTGGGTGTATGGGGTGAAGTTTTTCCTCTGTAT[C>T]CATCACCAACAAGCATGATTCCCTGGAAGCAAATACAAGAAGATACGTCATCAATGATAA-3'
Protein context (NP_060662.2, residues 482-502): VASGIMLVGD[Gly492Glu]YRGKTSPHTP